The following is an entry in ClinVar:

ClinVar aggregate classification (germline): Benign/Likely benign. Review status: criteria provided, multiple submitters, no conflicts (2 of 4 stars). 4 submissions from 4 submitters: Benign (3); Likely benign (1). Last evaluated 2026-08-01.

Allele frequency attached by ClinVar (database versions not stated): TOPMed 0.00453.

Submissions (4):

CeGaT Center for Human Genetics Tuebingen
Classification: Likely benign. Last evaluated: 2026-08-01. Review status: criteria provided, single submitter. Criteria: CeGaT Center For Human Genetics Tuebingen Variant Classification Criteria Version 2. Collection method: clinical testing. Allele origin: germline. Affected: yes. Observed: 6 variant alleles.
Comment: TRIOBP: BS2

Labcorp Genetics (formerly Invitae), Labcorp
Classification: Benign. Last evaluated: 2026-01-06. Review status: criteria provided, single submitter. Criteria: Invitae Variant Classification Sherloc (09022015). Collection method: clinical testing. Allele origin: germline.

Eurofins Ntd Llc (ga)
Classification: Benign. Last evaluated: 2016-06-22. Review status: criteria provided, single submitter. Criteria: EGL Classification Definitions 2015. Collection method: clinical testing. Allele origin: germline. Observed: 2 variant alleles, 2 heterozygotes.

PreventionGenetics, part of Exact Sciences
Classification: Benign. Review status: criteria provided, single submitter. Criteria: ACMG Guidelines, 2015. Collection method: clinical testing. Allele origin: germline.

NM_001039141.3(TRIOBP):c.6472+15_6472+16insC

Gene: TRIOBP (TRIO and F-actin binding protein; plus strand). Cytogenetic location: 22q13.1.
Variant type: Insertion.
Coding change: c.6472+15_6472+16insC on transcript NM_001039141.3 (MANE Select); bases 15 to 16 of the intron after coding-DNA position 6472, C inserted.
Molecular consequence: intron variant.
Genome position: GRCh38 VCF-style: chr22-37765832-G-GC. GRCh37 (hg19) VCF-style: chr22-38161839-G-GC.
Other names: c.1333+15_1333+16insC (NM_007032.5).
Identifiers: ClinVar variation 257224 (VCV000257224.41), dbSNP rs149021782, ClinGen allele CA10225051.